The following is an entry in ClinVar:

NM_001999.4(FBN2):c.3995A>G (p.Asn1332Ser)

Gene: FBN2 (fibrillin 2; minus strand). Cytogenetic location: 5q23.3.
Variant type: single nucleotide variant.
Coding change: c.3995A>G on transcript NM_001999.4 (MANE Select); coding-DNA position 3995, A replaced by G.
Protein change: p.Asn1332Ser; replaces asparagine 1332 with serine.
Molecular consequence: missense variant.
Genome position (GRCh38, 1-based): chr5:128,334,823, T>C on the plus strand (A>G on the coding strand, the complement: FBN2 is on the minus strand). VCF-style: chr5-128334823-T-C. GRCh37 (hg19) VCF-style: chr5-127670515-T-C.
Other names: short protein forms N1332S.
Identifiers: ClinVar variation 4871267 (VCV004871267.1).

ClinVar aggregate classification (germline): Uncertain significance (1 of 4 stars; one submission).

Conditions:
Familial thoracic aortic aneurysm and aortic dissection (TAAD). Also called: Thoracic aortic aneurysms and dissections. Identifiers: Orphanet 91387, MedGen C4707243, MONDO:0019625.

Submission:

Ambry Genetics
Classification: Uncertain significance for Familial thoracic aortic aneurysm and aortic dissection. Last evaluated: 2026-06-09. Review status: criteria provided, single submitter. Criteria: Ambry Variant Classification Scheme 2023. Collection method: clinical testing. Allele origin: germline.
Comment: The p.N1332S variant (also known as c.3995A>G), located in coding exon 31 of the FBN2 gene, results from an A to G substitution at nucleotide position 3995. The asparagine at codon 1332 is replaced by serine, an amino acid with highly similar properties. This amino acid position is conserved. In addition, this alteration is predicted to be tolerated by in silico analysis. Based on the available evidence, the clinical significance of this variant remains unclear.